The following is an entry in ClinVar:

NM_001211.6(BUB1B):c.889G>A (p.Ala297Thr)

Gene: BUB1B (BUB1 mitotic checkpoint serine/threonine kinase B; plus strand). Cytogenetic location: 15q15.1.
Variant type: single nucleotide variant.
Coding change: c.889G>A on transcript NM_001211.6 (MANE Select); coding-DNA position 889, G replaced by A.
Protein change: p.Ala297Thr; replaces alanine 297 with threonine.
Molecular consequence: missense variant.
Genome position (GRCh38, 1-based): chr15:40,185,302, G>A. VCF-style: chr15-40185302-G-A. GRCh37 (hg19) VCF-style: chr15-40477503-G-A.
Other names: short protein forms A297T.
Identifiers: ClinVar variation 1439991 (VCV001439991.7), dbSNP rs2140890789, ClinGen allele CA391684534.

ClinVar aggregate classification (germline): Uncertain significance (1 of 4 stars; one submission).

Conditions:
Mosaic variegated aneuploidy syndrome 1 (MVA1). Also called: Warburton-Anyane-Yeboa syndrome. Identifiers: Orphanet 1052, MedGen C1850343, MONDO:0009759, OMIM 257300.

Submission:

Labcorp Genetics (formerly Invitae), Labcorp
Classification: Uncertain significance for Mosaic variegated aneuploidy syndrome 1. Last evaluated: 2022-03-07. Review status: criteria provided, single submitter. Criteria: Invitae Variant Classification Sherloc (09022015). Collection method: clinical testing. Allele origin: germline.
Comment: This sequence change replaces alanine, which is neutral and non-polar, with threonine, which is neutral and polar, at codon 297 of the BUB1B protein (p.Ala297Thr). In summary, the available evidence is currently insufficient to determine the role of this variant in disease. Therefore, it has been classified as a Variant of Uncertain Significance. Algorithms developed to predict the effect of missense changes on protein structure and function are either unavailable or do not agree on the potential impact of this missense change (SIFT: "Tolerated"; PolyPhen-2: "Probably Damaging"; Align-GVGD: "Class C0"). This variant has not been reported in the literature in individuals affected with BUB1B-related conditions. This variant is not present in population databases (gnomAD no frequency).